The following is an entry in ClinVar:

ClinVar aggregate classification (germline): Uncertain significance (1 of 4 stars; one submission).

Conditions:
Scoliosis. Identifiers: MedGen C0036439, MONDO:0005392, HP:0002650.

Allele frequency attached by ClinVar (database versions not stated): ExAC 0.00001; gnomAD 0.00001; TOPMed 0.00002; gnomAD exomes 0.00001.
gnomAD v4.1: 12 of 1,613,738 alleles (0.00074%); highest among the groups gnomAD compares: Admixed American, 0.005%; no homozygotes.

Submission:

Beijing Key Laboratory for Genetic Research of Skeletal Deformity, Peking Union Medical College Hospital
Classification: Uncertain significance for scoliosis. Last evaluated: 2019-08-01. Review status: criteria provided, single submitter. Criteria: ACMG Guidelines, 2015. Collection method: research. Allele origin: germline. Affected: yes. Observed: 2 variant alleles.
Comment: This variant may contribute to congenital scoliosis development

Literature cited by the submitters: PubMed 25564734.

NM_004608.4(TBX6):c.499C>T (p.Arg167Cys)

Gene: TBX6 (T-box transcription factor 6; minus strand). Cytogenetic location: 16p11.2.
Variant type: single nucleotide variant.
Coding change: c.499C>T on transcript NM_004608.4 (MANE Select); coding-DNA position 499, C replaced by T.
Protein change: p.Arg167Cys; replaces arginine 167 with cysteine.
Molecular consequence: missense variant.
Genome position (GRCh38, 1-based): chr16:30,089,065, G>A on the plus strand (C>T on the coding strand, the complement: TBX6 is on the minus strand). VCF-style: chr16-30089065-G-A. GRCh37 (hg19) VCF-style: chr16-30100386-G-A.
Other names: short protein forms R167C.
Identifiers: ClinVar variation 694407 (VCV000694407.1), dbSNP rs760006939, ClinGen allele CA8001908.